The following is an entry in ClinVar:

ClinVar aggregate classification (germline): Uncertain significance (1 of 4 stars; one submission).

Conditions:
Familial focal epilepsy with variable foci (FPEVF). Identifiers: Orphanet 98820, MedGen C1858477, MONDO:0020310.

gnomAD v4.1: 1 of 1,614,142 alleles (0.000062%); highest among the groups gnomAD compares: African/African-American, 0.0013%; no homozygotes.

Submission:

Labcorp Genetics (formerly Invitae), Labcorp
Classification: Uncertain significance for Familial focal epilepsy with variable foci. Last evaluated: 2023-12-13. Review status: criteria provided, single submitter. Criteria: Invitae Variant Classification Sherloc (09022015). Collection method: clinical testing. Allele origin: germline.
Comment: This sequence change replaces serine, which is neutral and polar, with cysteine, which is neutral and slightly polar, at codon 497 of the DEPDC5 protein (p.Ser497Cys). This variant is not present in population databases (gnomAD no frequency). This variant has not been reported in the literature in individuals affected with DEPDC5-related conditions. Experimental studies and prediction algorithms are not available or were not evaluated, and the functional significance of this variant is currently unknown. In summary, the available evidence is currently insufficient to determine the role of this variant in disease. Therefore, it has been classified as a Variant of Uncertain Significance.

NM_001242896.3(DEPDC5):c.1490C>G (p.Ser497Cys)

Gene: DEPDC5 (DEP domain containing 5, GATOR1 subcomplex subunit; plus strand). Cytogenetic location: 22q12.3.
Variant type: single nucleotide variant.
Coding change: c.1490C>G on transcript NM_001242896.3 (MANE Select); coding-DNA position 1490, C replaced by G.
Protein change: p.Ser497Cys; replaces serine 497 with cysteine.
Molecular consequence: missense variant. On other transcripts: non-coding transcript variant (5).
Genome position (GRCh38, 1-based): chr22:31,815,036, C>G. VCF-style: chr22-31815036-C-G. GRCh37 (hg19) VCF-style: chr22-32211022-C-G.
Other names: c.1490C>G, p.Ser497Cys (NM_001363852.2, NM_001363854.2, NM_001364318.2 and 7 more transcripts); c.1406C>G, p.Ser469Cys (NM_001369901.1, NM_001369902.1); short protein forms S469C, S497C.
Identifiers: ClinVar variation 2834052 (VCV002834052.3), dbSNP rs1195703491, ClinGen allele CA411278096.